The following is an entry in ClinVar:

NM_004006.3(DMD):c.4853A>C (p.Gln1618Pro)

Gene: DMD (dystrophin; minus strand). Cytogenetic location: Xp21.1.
Variant type: single nucleotide variant.
Coding change: c.4853A>C on transcript NM_004006.3 (MANE Select); coding-DNA position 4853, A replaced by C.
Protein change: p.Gln1618Pro; replaces glutamine 1618 with proline.
Molecular consequence: missense variant.
Genome position (GRCh38, 1-based): chrX:32,365,192, T>G on the plus strand (A>C on the coding strand, the complement: DMD is on the minus strand). VCF-style: chrX-32365192-T-G. GRCh37 (hg19) VCF-style: chrX-32383309-T-G.
Other names: c.4829A>C, p.Gln1610Pro (NM_000109.4); c.4841A>C, p.Gln1614Pro (NM_004009.3); c.4484A>C, p.Gln1495Pro (NM_004010.3); c.830A>C, p.Gln277Pro (NM_004011.4); c.821A>C, p.Gln274Pro (NM_004012.4); short protein forms Q1610P, Q274P, Q1495P, Q1614P, Q1618P, Q277P.
Identifiers: ClinVar variation 1913256 (VCV001913256.5), dbSNP rs2522573543, ClinGen allele CA412672618.

ClinVar aggregate classification (germline): Uncertain significance (1 of 4 stars; one submission).

Conditions:
Duchenne muscular dystrophy (DMD). Also called: MUSCULAR DYSTROPHY, PSEUDOHYPERTROPHIC PROGRESSIVE, DUCHENNE TYPE; Duchenne Muscular Dystrophy (DMD). Identifiers: Orphanet 98896, MedGen C0013264, MONDO:0010679, OMIM 310200.

Submission:

Labcorp Genetics (formerly Invitae), Labcorp
Classification: Uncertain significance for Duchenne muscular dystrophy. Last evaluated: 2022-08-18. Review status: criteria provided, single submitter. Criteria: Invitae Variant Classification Sherloc (09022015). Collection method: clinical testing. Allele origin: germline.
Comment: Algorithms developed to predict the effect of missense changes on protein structure and function are either unavailable or do not agree on the potential impact of this missense change (SIFT: "Deleterious"; PolyPhen-2: "Benign"; Align-GVGD: "Class C0"). In summary, the available evidence is currently insufficient to determine the role of this variant in disease. Therefore, it has been classified as a Variant of Uncertain Significance. This variant has not been reported in the literature in individuals affected with DMD-related conditions. This variant is not present in population databases (gnomAD no frequency). This sequence change replaces glutamine, which is neutral and polar, with proline, which is neutral and non-polar, at codon 1618 of the DMD protein (p.Gln1618Pro).